The following is an entry in ClinVar:

NM_001035.3(RYR2):c.12377T>G (p.Leu4126Arg)

Gene: RYR2 (ryanodine receptor 2; plus strand). Cytogenetic location: 1q43.
Variant type: single nucleotide variant.
Coding change: c.12377T>G on transcript NM_001035.3 (MANE Select); coding-DNA position 12377, T replaced by G.
Protein change: p.Leu4126Arg; replaces leucine 4126 with arginine.
Molecular consequence: missense variant.
Genome position (GRCh38, 1-based): chr1:237,784,089, T>G. VCF-style: chr1-237784089-T-G. GRCh37 (hg19) VCF-style: chr1-237947389-T-G.
Other names: short protein forms L4126R.
Identifiers: ClinVar variation 919750 (VCV000919750.4), dbSNP rs1695352124, ClinGen allele CA345413084.
Genomic context (GRCh38, chr1:237,784,089, plus strand): 5'-CTGAGCACATGCCCAACGATACCCGACTTCAGACTTTTCTGGAATTAGCAGAGAGCGTCC[T>G]GAATTATTTCCAGCCCTTTCTGGGCCGCATCGAAATCATGGGAAGCGCCAAACGCATCGA-3'
Protein context (NP_001026.2, residues 4116-4136): QTFLELAESV[Leu4126Arg]NYFQPFLGRI

ClinVar aggregate classification (germline): Uncertain significance (1 of 4 stars; one submission).

Conditions:
Cardiomyopathy (CMYO). Also called: Cardiomyopathies. Identifiers: Orphanet 167848, MedGen C0878544, MONDO:0004994, HP:0001638. Inheritance: Various modes of inheritance.

Submission:

Color Diagnostics, LLC DBA Color Health
Classification: Uncertain significance for Cardiomyopathy. Last evaluated: 2024-03-06. Review status: criteria provided, single submitter. Criteria: ACMG Guidelines, 2015. Collection method: clinical testing. Allele origin: germline.
Comment: This missense variant replaces leucine with arginine at codon 4126 of the RYR2 protein. Computational prediction suggests that this variant may have deleterious impact on protein structure and function (internally defined REVEL score threshold >= 0.7, PMID: 27666373). Splice site prediction tools suggest that this variant may not impact RNA splicing. To our knowledge, functional studies have not been reported for this variant. This variant has not been reported in individuals affected with cardiovascular disorders in the literature. This variant has not been identified in the general population by the Genome Aggregation Database (gnomAD). The available evidence is insufficient to determine the role of this variant in disease conclusively. Therefore, this variant is classified as a Variant of Uncertain Significance.